The following is an entry in ClinVar:

ClinVar aggregate classification (germline): Pathogenic. Review status: criteria provided, single submitter (1 of 4 stars). 3 submissions from 3 submitters: Pathogenic (1). 2 of the submissions do not count toward it. Last evaluated 2020-10-07.

Conditions:
GATA binding protein 1 related thrombocytopenia with dyserythropoiesis. Also called: GATA1-Related X-Linked Cytopenia; GATA1-Related Cytopenia. Identifiers: MedGen C1845837, MONDO:0100089.
Diamond-Blackfan anemia. Also called: Aase syndrome; Blackfan Diamond syndrome; Aregenerative anemia chronic congenital; Red cell aplasia, pure hereditary; Congenital hypoplastic anemia. Identifiers: Orphanet 124, MedGen C1260899, MeSH D029503, MONDO:0015253, HP:0004810.
Thrombocytopenia, X-linked, with or without dyserythropoietic anemia (XLTDA). Identifiers: Orphanet 67044, MedGen C3550789, MONDO:0010308, OMIM 300367.
X-linked dyserythropoetic anemia with abnormal platelets and neutropenia. Also called: ANEMIA, X-LINKED, WITH OR WITHOUT NEUTROPENIA AND/OR PLATELET ABNORMALITIES. Identifiers: Orphanet 363727, MedGen C3550856, MONDO:0010444, OMIM 300835.

Submissions (3):

Labcorp Genetics (formerly Invitae), Labcorp
Classification: Pathogenic for GATA binding protein 1 related thrombocytopenia with dyserythropoiesis; Diamond-Blackfan anemia. Last evaluated: 2020-10-07. Review status: criteria provided, single submitter. Criteria: Invitae Variant Classification Sherloc (09022015). Collection method: clinical testing. Allele origin: germline.
Comment: For these reasons, this variant has been classified as Pathogenic. Loss-of-function variants in GATA1 are known to be pathogenic (PMID: 16783379, 22706301, 23704091, 24453067). Algorithms developed to predict the effect of sequence changes on RNA splicing suggest that this variant may disrupt the consensus splice site, but this prediction has not been confirmed by published transcriptional studies. This variant has been observed in individual(s) with clinical features of Diamond-Blackfan anemia (PMID: 22706301). This variant is also known as c.220+1del. ClinVar contains an entry for this variant (Variation ID: 31942). This variant is not present in population databases (ExAC no frequency). This sequence change creates a premature translational stop signal (p.Val74Serfs*63) in the GATA1 gene. It is expected to result in an absent or disrupted protein product.

OMIM
Classification: Pathogenic for ANEMIA, X-LINKED, WITH OR WITHOUT NEUTROPENIA AND/OR PLATELET ABNORMALITIES. Last evaluated: 2012-07-02. Review status: no assertion criteria provided. Collection method: literature only. Allele origin: germline. Not counted in ClinVar's aggregate classification.

GeneReviews
No classification provided. Condition: Thrombocytopenia, X-linked, with or without dyserythropoietic anemia. Review status: no classification provided. Collection method: literature only. Allele origin: germline. Not counted in ClinVar's aggregate classification.
Comment: Exon skipping and frameshift are predicted because the deletion affects the canonic splice donor site.

Literature cited by the submitters: PubMed 16783379 (cited by Labcorp Genetics (formerly Invitae), Labcorp); PubMed 22706301 (cited by 3 submitters); PubMed 23704091 (cited by Labcorp Genetics (formerly Invitae), Labcorp); PubMed 24453067 (cited by Labcorp Genetics (formerly Invitae), Labcorp); PubMed 20301538 (cited by GeneReviews).

NM_002049.4(GATA1):c.220+1del

Gene: GATA1 (GATA binding protein 1; plus strand). Cytogenetic location: Xp11.23.
Variant type: Deletion.
Coding change: c.220+1del on transcript NM_002049.4 (MANE Select); the canonical splice donor site of the intron after coding-DNA position 220, one base deleted (G; older notation c.220+1delG).
Molecular consequence: splice donor variant.
Genome position (GRCh38, 1-based): chrX:48,791,330, G deleted; the last of 2 consecutive G bases (chrX:48,791,329-48,791,330); deleting either gives the same sequence. VCF-style (leftmost placement, unchanged base first): chrX-48791328-AG-A. GRCh37 (hg19) VCF-style: chrX-48649735-AG-A.
Other names: c.220del (NM_002049.3); c.220+1delG (NM_002049.3).
Identifiers: ClinVar variation 31942 (VCV000031942.12), dbSNP rs587776453, ClinGen allele CA345941.